The following is an entry in ClinVar:

ClinVar aggregate classification (germline): Uncertain significance. Review status: criteria provided, multiple submitters, no conflicts (2 of 4 stars). 2 submissions from 2 submitters: Uncertain significance (2). Last evaluated 2024-07-25.

Conditions:
Charcot-Marie-Tooth disease type 2. Also called: Charcot-Marie-Tooth type 2. Identifiers: Orphanet 64746, MedGen C0270914, MONDO:0018993.

Allele frequency attached by ClinVar (database versions not stated): ExAC 0.00001.

Submissions (2):

Ambry Genetics
Classification: Uncertain significance. Last evaluated: 2024-07-25. Review status: criteria provided, single submitter. Criteria: Ambry Variant Classification Scheme 2023. Collection method: clinical testing. Allele origin: germline.
Comment: The p.A1313V variant (also known as c.3938C>T), located in coding exon 36 of the KIF1B gene, results from a C to T substitution at nucleotide position 3938. The alanine at codon 1313 is replaced by valine, an amino acid with similar properties. This amino acid position is conserved. In addition, the in silico prediction for this alteration is inconclusive. Since supporting evidence is limited at this time, the clinical significance of this alteration remains unclear.

Labcorp Genetics (formerly Invitae), Labcorp
Classification: Uncertain significance for Charcot-Marie-Tooth disease type 2. Last evaluated: 2023-01-20. Review status: criteria provided, single submitter. Criteria: Invitae Variant Classification Sherloc (09022015). Collection method: clinical testing. Allele origin: germline.
Comment: In summary, the available evidence is currently insufficient to determine the role of this variant in disease. Therefore, it has been classified as a Variant of Uncertain Significance. Algorithms developed to predict the effect of missense changes on protein structure and function are either unavailable or do not agree on the potential impact of this missense change (SIFT: "Deleterious"; PolyPhen-2: "Possibly Damaging"; Align-GVGD: "Class C0"). ClinVar contains an entry for this variant (Variation ID: 1736304). This variant has not been reported in the literature in individuals affected with KIF1B-related conditions. This variant is present in population databases (rs781544310, gnomAD 0.007%). This sequence change replaces alanine, which is neutral and non-polar, with valine, which is neutral and non-polar, at codon 1313 of the KIF1B protein (p.Ala1313Val).

NM_001365951.3(KIF1B):c.4076C>T (p.Ala1359Val)

Gene: KIF1B (kinesin family member 1B; plus strand). Cytogenetic location: 1p36.22.
Variant type: single nucleotide variant.
Coding change: c.4076C>T on transcript NM_001365951.3 (MANE Select); coding-DNA position 4076, C replaced by T.
Protein change: p.Ala1359Val; replaces alanine 1359 with valine.
Molecular consequence: missense variant.
Genome position (GRCh38, 1-based): chr1:10,360,949, C>T. VCF-style: chr1-10360949-C-T. GRCh37 (hg19) VCF-style: chr1-10421007-C-T.
Other names: c.4076C>T, p.Ala1359Val (NM_001365952.1); c.3938C>T, p.Ala1313Val (NM_015074.3); short protein forms A1313V, A1359V.
Identifiers: ClinVar variation 1736304 (VCV001736304.6), dbSNP rs781544310, ClinGen allele CA581984.